The following is an entry in ClinVar:

ClinVar aggregate classification (germline): Pathogenic (1 of 4 stars; one submission).

Conditions:
Leber congenital amaurosis 7 (LCA7). Identifiers: Orphanet 65, MedGen C3151192, MONDO:0013449, OMIM 613829.
Cone-rod dystrophy 2 (CORD2). Also called: CONE-ROD RETINAL DYSTROPHY; Cone-rod retinal dystrophy 2. Identifiers: Orphanet 1872, MedGen C3489532, MONDO:0007362, OMIM 120970.

Submission:

Labcorp Genetics (formerly Invitae), Labcorp
Classification: Pathogenic for Cone-rod dystrophy 2; Leber congenital amaurosis 7. Last evaluated: 2024-02-23. Review status: criteria provided, single submitter. Criteria: Invitae Variant Classification Sherloc (09022015). Collection method: clinical testing. Allele origin: germline.
Comment: This sequence change creates a premature translational stop signal (p.Thr44Alafs*28) in the CRX gene. While this is not anticipated to result in nonsense mediated decay, it is expected to disrupt the last 256 amino acid(s) of the CRX protein. This variant is not present in population databases (gnomAD no frequency). This variant has not been reported in the literature in individuals affected with CRX-related conditions. ClinVar contains an entry for this variant (Variation ID: 1387234). This variant disrupts a region of the CRX protein in which other variant(s) (p.Tyr258*) have been determined to be pathogenic (PMID: 22968130, 25270190). This suggests that this is a clinically significant region of the protein, and that variants that disrupt it are likely to be disease-causing. For these reasons, this variant has been classified as Pathogenic.

Literature cited by the submitters: PubMed 22968130; PubMed 25270190.

NM_000554.6(CRX):c.125_128dup (p.Thr44fs)

Gene: CRX (cone-rod homeobox; plus strand). Cytogenetic location: 19q13.33.
Variant type: Duplication.
Coding change: c.125_128dup on transcript NM_000554.6 (MANE Select); coding-DNA positions 125 to 128, 4 bases duplicated (AGCG; older notation c.125_128dupAGCG).
Protein change: p.Thr44fs; shifts the reading frame from threonine 44.
Molecular consequence: frameshift variant.
Genome position (GRCh38, 1-based): chr19:47,836,267-47,836,270, AGCG duplicated; duplicating any 4 consecutive bases within chr19:47,836,266-47,836,270 gives the same sequence; the c. name uses the placement nearest the transcript's 3' end. VCF-style (leftmost placement, unchanged base first): chr19-47836265-G-GGAGC. GRCh37 (hg19) VCF-style: chr19-48339522-G-GGAGC.
Other names: short protein forms T44fs.
Identifiers: ClinVar variation 1387234 (VCV001387234.6), dbSNP rs2123739871, ClinGen allele CA2573156484.